The following is an entry in ClinVar:

NM_003072.5(SMARCA4):c.1848G>C (p.Pro616=)

Gene: SMARCA4 (SWI/SNF related BAF chromatin remodeling complex subunit ATPase 4; plus strand). Cytogenetic location: 19p13.2.
Variant type: single nucleotide variant.
Coding change: c.1848G>C on transcript NM_003072.5 (MANE Select); coding-DNA position 1848, G replaced by C.
Protein change: p.Pro616=; no amino-acid change (proline 616 retained).
Molecular consequence: synonymous variant. On other transcripts: non-coding transcript variant (1).
Genome position (GRCh38, 1-based): chr19:11,003,064, G>C. VCF-style: chr19-11003064-G-C. GRCh37 (hg19) VCF-style: chr19-11113740-G-C.
Other names: c.1848G>C, p.Pro616= (NM_001128844.3, NM_001128845.2, NM_001128846.2 and 4 more transcripts).
Identifiers: ClinVar variation 743776 (VCV000743776.14), dbSNP rs138721614, ClinGen allele CA505486231.
Genomic context (GRCh38, chr19:11,003,064, plus strand): 5'-TGTCACACGAATGACTCTTTTTCAGCCTCTGGACGAGACCAGCCAGATGAGCGACCTCCC[G>C]GTGAAGGTGATCCACGTGGAGAGTGGGAAGATCCTCACAGGCACAGATGCCCCCAAAGCC-3'
Protein context (NP_003063.2, residues 606-626): LDETSQMSDL[Pro616=]VKVIHVESGK

ClinVar aggregate classification (germline): Benign/Likely benign. Review status: criteria provided, multiple submitters, no conflicts (2 of 4 stars). 3 submissions from 3 submitters: Benign (1); Likely benign (2). Last evaluated 2026-07-10.

Conditions:
Hereditary cancer-predisposing syndrome. Also called: Hereditary neoplastic syndrome; Neoplastic Syndromes, Hereditary; Tumor predisposition; Hereditary Cancer Syndrome. Identifiers: Orphanet 140162, MedGen C0027672, MeSH D009386, MONDO:0015356.
Rhabdoid tumor predisposition syndrome 2 (RTPS2). Identifiers: Orphanet 231108, Orphanet 69077, MedGen C2750074, MONDO:0013224, OMIM 613325.

Submissions (3):

Myriad Genetics, Inc.
Classification: Benign for Rhabdoid tumor predisposition syndrome 2. Last evaluated: 2026-07-10. Review status: criteria provided, single submitter. Criteria: Myriad Autosomal Dominant, Autosomal Recessive and X-Linked Classification Criteria (2023). Collection method: clinical testing. Allele origin: unknown.
Comment: This variant is considered benign. This variant is a silent/synonymous amino acid change and it is not expected to impact splicing.

Labcorp Genetics (formerly Invitae), Labcorp
Classification: Likely benign for Rhabdoid tumor predisposition syndrome 2. Last evaluated: 2025-05-30. Review status: criteria provided, single submitter. Criteria: Invitae Variant Classification Sherloc (09022015). Collection method: clinical testing. Allele origin: germline.

Ambry Genetics
Classification: Likely benign for Hereditary cancer-predisposing syndrome. Last evaluated: 2021-12-29. Review status: criteria provided, single submitter. Criteria: Ambry Variant Classification Scheme 2023. Collection method: clinical testing. Allele origin: germline.